The following is an entry in ClinVar:

NM_205834.4(LSR):c.19G>A (p.Gly7Arg)

Gene: LSR (lipolysis stimulated lipoprotein receptor; plus strand). Cytogenetic location: 19q13.12.
Variant type: single nucleotide variant.
Coding change: c.19G>A on transcript NM_205834.4 (MANE Select); coding-DNA position 19, G replaced by A.
Protein change: p.Gly7Arg; replaces glycine 7 with arginine.
Molecular consequence: missense variant.
Genome position (GRCh38, 1-based): chr19:35,249,041, G>A. VCF-style: chr19-35249041-G-A. GRCh37 (hg19) VCF-style: chr19-35739944-G-A.
Other names: c.19G>A, p.Gly7Arg (NM_205835.4, NM_001260489.2, NM_001260490.2 and 2 more transcripts); short protein forms G7R.
Identifiers: ClinVar variation 2863333 (VCV002863333.3), dbSNP rs746543014, ClinGen allele CA307712695.

ClinVar aggregate classification (germline): Uncertain significance (1 of 4 stars; one submission).

Submission:

Labcorp Genetics (formerly Invitae), Labcorp
Classification: Uncertain significance. Last evaluated: 2025-09-13. Review status: criteria provided, single submitter. Criteria: Invitae Variant Classification Sherloc (09022015). Collection method: clinical testing. Allele origin: germline.
Comment: This sequence change replaces glycine, which is neutral and non-polar, with arginine, which is basic and polar, at codon 55 of the LSR protein (p.Gly55Arg). The frequency data for this variant in the population databases is considered unreliable, as metrics indicate poor data quality at this position in the gnomAD database. This variant has not been reported in the literature in individuals affected with LSR-related conditions. ClinVar contains an entry for this variant (Variation ID: 2863333). An algorithm developed to predict the effect of missense changes on protein structure and function outputs the following: PolyPhen-2: "Possibly Damaging". The arginine amino acid residue is found in multiple mammalian species, which suggests that this missense change does not adversely affect protein function. In summary, the available evidence is currently insufficient to determine the role of this variant in disease. Therefore, it has been classified as a Variant of Uncertain Significance.